The following is an entry in ClinVar:

ClinVar aggregate classification (germline): Uncertain significance (1 of 4 stars; one submission).

Allele frequency attached by ClinVar (database versions not stated): TOPMed below 0.00001.
gnomAD v4.1: 2 of 1,610,692 alleles (0.00012%); highest among the groups gnomAD compares: East Asian, 0.0022%; no homozygotes.

Submission:

Labcorp Genetics (formerly Invitae), Labcorp
Classification: Uncertain significance. Last evaluated: 2021-08-16. Review status: criteria provided, single submitter. Criteria: Invitae Variant Classification Sherloc (09022015). Collection method: clinical testing. Allele origin: germline.
Comment: This sequence change replaces alanine with threonine at codon 211 of the HPS4 protein (p.Ala211Thr). The alanine residue is moderately conserved and there is a small physicochemical difference between alanine and threonine. This variant is not present in population databases (ExAC no frequency). This variant has not been reported in the literature in individuals affected with HPS4-related conditions. Algorithms developed to predict the effect of missense changes on protein structure and function are either unavailable or do not agree on the potential impact of this missense change (SIFT: "Tolerated"; PolyPhen-2: "Possibly Damaging"; Align-GVGD: "Class C0"). In summary, the available evidence is currently insufficient to determine the role of this variant in disease. Therefore, it has been classified as a Variant of Uncertain Significance.

NM_022081.6(HPS4):c.631G>A (p.Ala211Thr)

Gene: HPS4 (HPS4 biogenesis of lysosomal organelles complex 3 subunit 2; minus strand). Cytogenetic location: 22q12.1.
Variant type: single nucleotide variant.
Coding change: c.631G>A on transcript NM_022081.6 (MANE Select); coding-DNA position 631, G replaced by A.
Protein change: p.Ala211Thr; replaces alanine 211 with threonine.
Molecular consequence: missense variant. On other transcripts: non-coding transcript variant (8).
Genome position (GRCh38, 1-based): chr22:26,468,589, C>T on the plus strand (G>A on the coding strand, the complement: HPS4 is on the minus strand). VCF-style: chr22-26468589-C-T. GRCh37 (hg19) VCF-style: chr22-26864555-C-T.
Other names: c.631G>A, p.Ala211Thr (NM_001349896.1, NM_001349898.2, NM_001349899.2 and 6 more transcripts); c.616G>A, p.Ala206Thr (NM_152841.2); short protein forms A211T, A206T.
Identifiers: ClinVar variation 1354431 (VCV001354431.3), dbSNP rs1277894851, ClinGen allele CA411030174.